The following is an entry in ClinVar:

NM_001079802.2(FKTN):c.589A>G (p.Arg197Gly)

Gene: FKTN (fukutin; plus strand). Cytogenetic location: 9q31.2.
Variant type: single nucleotide variant.
Coding change: c.589A>G on transcript NM_001079802.2 (MANE Select); coding-DNA position 589, A replaced by G.
Protein change: p.Arg197Gly; replaces arginine 197 with glycine.
Molecular consequence: missense variant. On other transcripts: non-coding transcript variant (2).
Genome position (GRCh38, 1-based): chr9:105,604,434, A>G. VCF-style: chr9-105604434-A-G. GRCh37 (hg19) VCF-style: chr9-108366715-A-G.
Other names: c.589A>G, p.Arg197Gly (NM_001198963.2, NM_001351496.2, NM_001351498.2 and 1 more transcripts); c.520A>G, p.Arg174Gly (NM_001351497.2); c.193A>G, p.Arg65Gly (NM_001351499.2, NM_001351500.2, NM_001351501.2 and 1 more transcripts); short protein forms R197G, R174G, R65G.
Identifiers: ClinVar variation 3278998 (VCV003278998.2).

ClinVar aggregate classification (germline): Uncertain significance. Review status: criteria provided, multiple submitters, no conflicts (2 of 4 stars). 2 submissions from 2 submitters: Uncertain significance (2). Last evaluated 2024-09-18.

Conditions:
Cardiovascular phenotype. Identifiers: MedGen CN230736.

Submissions (2):

Revvity Omics, Revvity
Classification: Uncertain significance. Last evaluated: 2024-09-18. Review status: criteria provided, single submitter. Criteria: ACMG Guidelines, 2015. Collection method: clinical testing. Allele origin: germline.

Ambry Genetics
Classification: Uncertain significance for Cardiovascular phenotype. Last evaluated: 2024-05-02. Review status: criteria provided, single submitter. Criteria: Ambry Variant Classification Scheme 2023. Collection method: clinical testing. Allele origin: germline.
Comment: The p.R197G variant (also known as c.589A>G), located in coding exon 4 of the FKTN gene, results from an A to G substitution at nucleotide position 589. The arginine at codon 197 is replaced by glycine, an amino acid with dissimilar properties. This amino acid position is conserved. In addition, this alteration is predicted to be deleterious by in silico analysis. Based on the available evidence, the clinical significance of this variant remains unclear.